The following is an entry in ClinVar:

NM_182943.3(PLOD2):c.1872T>G (p.Tyr624Ter)

Gene: PLOD2 (procollagen-lysine,2-oxoglutarate 5-dioxygenase 2; minus strand). Cytogenetic location: 3q24.
Variant type: single nucleotide variant.
Coding change: c.1872T>G on transcript NM_182943.3 (MANE Select); coding-DNA position 1872, T replaced by G.
Protein change: p.Tyr624Ter; replaces tyrosine 624 with a stop codon.
Molecular consequence: nonsense.
Genome position (GRCh38, 1-based): chr3:146,071,400, A>C on the plus strand (T>G on the coding strand, the complement: PLOD2 is on the minus strand). VCF-style: chr3-146071400-A-C. GRCh37 (hg19) VCF-style: chr3-145789187-A-C.
Other names: c.1809T>G, p.Tyr603Ter (NM_000935.3); short protein forms Y603*, Y624*.
Identifiers: ClinVar variation 2581069 (VCV002581069.1), dbSNP rs1248510301, ClinGen allele CA354883573.
Genomic context (GRCh38, chr3:146,071,400, plus strand): 5'-AAGCCATACATTCTCCAGATCAACTTGCTTCATGTGGATATCATCAGTTGGGACATTTTC[A>C]TAACCACCAGATATACGGCTATCCTAGAAACAACATTAATGACATAATAAGCTGTACTCC-3'

ClinVar aggregate classification (germline): Likely pathogenic (1 of 4 stars; one submission).

Conditions:
Bruck syndrome 2 (BRKS2). Also called: OSTEOGENESIS IMPERFECTA WITH CONGENITAL JOINT CONTRACTURES. Identifiers: Orphanet 2771, MedGen C1836602, MONDO:0012217, OMIM 609220.

gnomAD v4.1: 1 of 1,611,874 alleles (0.000062%); no homozygotes.

Submission:

Division Of Personalized Genomic Medicine, Columbia University Irving Medical Center
Classification: Likely pathogenic for Bruck syndrome 2. Last evaluated: 2019-10-16. Review status: criteria provided, single submitter. Criteria: ACMG Guidelines, 2015. Collection method: clinical testing. Allele origin: biparental. Inheritance: Autosomal recessive inheritance. Affected: yes. Observed: 1 homozygote.
Comment: The c.1872T>G (p.Tyr624Ter) variant is a single nucleotide substitution in exon 18 of the PLOD2 gene (20 in total), resulting in substitution of a conserved tyrosine residue to a premature termination codon at amino acid position 624 (759 in total) and is predicted to undergo nonsense mediated mRNA decay (NMD). This variant has not been observed in the Genome Aggregation Database (gnomAD), indicating it is not a common benign variant in the populations represented in this database. To the best of our knowledge, this specific variant has not been described to be associated with disease. However, multiple downstream Pathogenic/ Likely Pathogenic variants have been reported in ClinVar, including one nonsense variant found in an affected individual (PMID: 29177700).

Literature cited by the submitters: PubMed 29177700.